The following is an entry in ClinVar:

NM_017617.5(NOTCH1):c.2206G>A (p.Gly736Arg)

Gene: NOTCH1 (notch receptor 1; minus strand). Cytogenetic location: 9q34.3.
Variant type: single nucleotide variant.
Coding change: c.2206G>A on transcript NM_017617.5 (MANE Select); coding-DNA position 2206, G replaced by A.
Protein change: p.Gly736Arg; replaces glycine 736 with arginine.
Molecular consequence: missense variant.
Genome position (GRCh38, 1-based): chr9:136,514,511, C>T on the plus strand (G>A on the coding strand, the complement: NOTCH1 is on the minus strand). VCF-style: chr9-136514511-C-T. GRCh37 (hg19) VCF-style: chr9-139408963-C-T.
Other names: c.2206G>A, p.Gly736Arg (LRG_1122t1); c.2206G>A (NM_017617.4); short protein forms G736R.
Identifiers: ClinVar variation 432247 (VCV000432247.22), dbSNP rs201662530, ClinGen allele CA5341458.

ClinVar aggregate classification (germline): Conflicting classifications of pathogenicity. Review status: criteria provided, conflicting classifications (1 of 4 stars). 6 submissions from 6 submitters: Uncertain significance (5); Likely benign (1). Last evaluated 2026-01-08.

Conditions:
Familial thoracic aortic aneurysm and aortic dissection (TAAD). Also called: Thoracic aortic aneurysms and dissections. Identifiers: Orphanet 91387, MedGen C4707243, MONDO:0019625.
Adams-Oliver syndrome 5 (AOS5). Identifiers: Orphanet 974, MedGen C4014970, MONDO:0014459, OMIM 616028.
NOTCH1-related disorder. Also called: NOTCH1-related condition; NOTCH1-related disorders.
Connective tissue disorder. Also called: Connective tissue disease. Identifiers: MedGen C0009782, MONDO:0003900.

Allele frequency attached by ClinVar (database versions not stated): gnomAD exomes 0.00004; gnomAD 0.00013; ExAC 0.00014; 1000 Genomes Project 30x 0.00016; TOPMed 0.00016; 1000 Genomes Project 0.00020; ESP Exome Variant Server 0.00041.
gnomAD v4.1: 69 of 1,576,476 alleles (0.0044%); highest among the groups gnomAD compares: African/African-American, 0.028%; no homozygotes.

Submissions (6):

Labcorp Genetics (formerly Invitae), Labcorp
Classification: Uncertain significance for Adams-Oliver syndrome 5. Last evaluated: 2026-01-08. Review status: criteria provided, single submitter. Criteria: Invitae Variant Classification Sherloc (09022015). Collection method: clinical testing. Allele origin: germline.
Comment: This sequence change replaces glycine, which is neutral and non-polar, with arginine, which is basic and polar, at codon 736 of the NOTCH1 protein (p.Gly736Arg). This variant is present in population databases (rs201662530, gnomAD 0.03%). This variant has not been reported in the literature in individuals affected with NOTCH1-related conditions. ClinVar contains an entry for this variant (Variation ID: 432247). An algorithm developed to predict the effect of missense changes on protein structure and function (PolyPhen-2) suggests that this variant is likely to be tolerated. In summary, the available evidence is currently insufficient to determine the role of this variant in disease. Therefore, it has been classified as a Variant of Uncertain Significance.

GeneDx
Classification: Uncertain significance. Last evaluated: 2025-07-11. Review status: criteria provided, single submitter. Criteria: GeneDx Variant Classification Process June 2021. Collection method: clinical testing. Allele origin: germline. Affected: yes.
Comment: Has not been previously published as pathogenic or benign to our knowledge; In silico analysis supports that this missense variant has a deleterious effect on protein structure/function

Ambry Genetics
Classification: Uncertain significance for Familial thoracic aortic aneurysm and aortic dissection. Last evaluated: 2025-06-28. Review status: criteria provided, single submitter. Criteria: Ambry Variant Classification Scheme 2023. Collection method: clinical testing. Allele origin: germline.
Comment: The p.G736R variant (also known as c.2206G>A), located in coding exon 13 of the NOTCH1 gene, results from a G to A substitution at nucleotide position 2206. The glycine at codon 736 is replaced by arginine, an amino acid with dissimilar properties. This amino acid position is highly conserved in available vertebrate species. In addition, the in silico prediction for this alteration is inconclusive. Since supporting evidence is limited at this time, the clinical significance of this alteration remains unclear.

PreventionGenetics, part of Exact Sciences
Classification: Uncertain significance for NOTCH1-related condition. Last evaluated: 2023-02-08. Review status: criteria provided, single submitter. Criteria: ACMG Guidelines, 2015. Collection method: clinical testing. Allele origin: germline.
Comment: The NOTCH1 c.2206G>A variant is predicted to result in the amino acid substitution p.Gly736Arg. To our knowledge, this variant has not been reported in the literature. This variant is reported in 0.030% of alleles in individuals of African descent in gnomAD. Although we suspect that this variant may be benign, at this time, the clinical significance of this variant is uncertain due to the absence of conclusive functional and genetic evidence.

CHEO Genetics Diagnostic Laboratory, Children's Hospital of Eastern Ontario
Classification: Uncertain significance for Familial thoracic aortic aneurysm and aortic dissection. Last evaluated: 2021-08-10. Review status: criteria provided, single submitter. Criteria: ACMG Guidelines, 2015. Collection method: clinical testing. Allele origin: germline. Study: Canadian Open Genetics Repository.

Center for Human Genetics, Inc
Classification: Likely benign for Connective tissue disorder. Last evaluated: 2016-11-01. Review status: criteria provided, single submitter. Criteria: ACMG Guidelines, 2015. Collection method: clinical testing. Allele origin: germline. Affected: yes.